The following is an entry in ClinVar:

ClinVar aggregate classification (germline): Uncertain significance (1 of 4 stars; one submission).

gnomAD v4.1: 3 of 1,614,094 alleles (0.00019%); highest among the groups gnomAD compares: African/African-American, 0.0013%; no homozygotes.

Submission:

GeneDx
Classification: Uncertain significance. Last evaluated: 2025-04-12. Review status: criteria provided, single submitter. Criteria: GeneDx Variant Classification Process June 2021. Collection method: clinical testing. Allele origin: germline.
Comment: Not observed at significant frequency in large population cohorts (gnomAD); In silico analysis supports that this missense variant has a deleterious effect on protein structure/function; Has not been previously published as pathogenic or benign to our knowledge

NM_006885.4(ZFHX3):c.3306C>A (p.Asn1102Lys)

Gene: ZFHX3 (zinc finger homeobox 3; minus strand). Cytogenetic location: 16q22.3.
Variant type: single nucleotide variant.
Coding change: c.3306C>A on transcript NM_006885.4 (MANE Select); coding-DNA position 3306, C replaced by A.
Protein change: p.Asn1102Lys; replaces asparagine 1102 with lysine.
Molecular consequence: missense variant.
Genome position (GRCh38, 1-based): chr16:72,889,873, G>T on the plus strand (C>A on the coding strand, the complement: ZFHX3 is on the minus strand). VCF-style: chr16-72889873-G-T. GRCh37 (hg19) VCF-style: chr16-72923772-G-T.
Other names: c.564C>A, p.Asn188Lys (NM_001164766.2); c.3306C>A, p.Asn1102Lys (NM_001386735.1); short protein forms N1102K, N188K.
Identifiers: ClinVar variation 3342639 (VCV003342639.2).
Genomic context (GRCh38, chr16:72,889,873, plus strand): 5'-CTGCAGCTTTCGCAGGCTCTCGCTTCGCTGGTGCTTCATGGAGCGCACATGCTGGATGAG[G>T]TTGAGCTTGGCCTTGGTGGAGTAGTTGCACAGAACGCAGTGGTAGTAGCAGCTCTCACCT-3'
Protein context (NP_008816.3, residues 1092-1112): LCNYSTKAKL[Asn1102Lys]LIQHVRSMKH